The following is an entry in ClinVar:

NM_001370259.2(MEN1):c.433A>C (p.Ser145Arg)

Gene: MEN1 (menin 1; minus strand). Cytogenetic location: 11q13.1.
Variant type: single nucleotide variant.
Coding change: c.433A>C on transcript NM_001370259.2 (MANE Select); coding-DNA position 433, A replaced by C.
Protein change: p.Ser145Arg; replaces serine 145 with arginine.
Molecular consequence: missense variant.
Genome position (GRCh38, 1-based): chr11:64,809,677, T>G on the plus strand (A>C on the coding strand, the complement: MEN1 is on the minus strand). VCF-style: chr11-64809677-T-G. GRCh37 (hg19) VCF-style: chr11-64577149-T-G.
Other names: c.433A>C, p.Ser145Arg (NM_000244.4, NM_001370251.2, NM_001370260.2 and 9 more transcripts); short protein forms S145R.
Identifiers: ClinVar variation 428048 (VCV000428048.10), dbSNP rs778932605, ClinGen allele CA381186707.

ClinVar aggregate classification (germline): Uncertain significance. Review status: criteria provided, multiple submitters, no conflicts (2 of 4 stars). 2 submissions from 2 submitters: Uncertain significance (2). Last evaluated 2026-03-24.

Conditions:
Hereditary cancer-predisposing syndrome. Also called: Hereditary Cancer Syndrome; Tumor predisposition; Hereditary neoplastic syndrome; Neoplastic Syndromes, Hereditary. Identifiers: Orphanet 140162, MedGen C0027672, MeSH D009386, MONDO:0015356.
Multiple endocrine neoplasia, type 1 (MEN1). Also called: Endocrine adenomatosis multiple; MEN 1; MEA I; MEN I; WERMER SYNDROME. Identifiers: Orphanet 652, MedGen C0025267, MeSH D018761, MONDO:0007540, OMIM 131100.

Submissions (2):

Ambry Genetics
Classification: Uncertain significance for Hereditary cancer-predisposing syndrome. Last evaluated: 2026-03-24. Review status: criteria provided, single submitter. Criteria: Ambry Variant Classification Scheme 2023. Collection method: clinical testing. Allele origin: germline.
Comment: The p.S145R variant (also known as c.433A>C), located in coding exon 1 of the MEN1 gene, results from an A to C substitution at nucleotide position 433. The serine at codon 145 is replaced by arginine, an amino acid with dissimilar properties. This amino acid position is highly conserved in available vertebrate species. In addition, this alteration is predicted to be deleterious by in silico analysis. Based on the available evidence, the clinical significance of this variant remains unclear.

Labcorp Genetics (formerly Invitae), Labcorp
Classification: Uncertain significance for Multiple endocrine neoplasia, type 1. Last evaluated: 2023-06-27. Review status: criteria provided, single submitter. Criteria: Invitae Variant Classification Sherloc (09022015). Collection method: clinical testing. Allele origin: germline.
Comment: In summary, the available evidence is currently insufficient to determine the role of this variant in disease. Therefore, it has been classified as a Variant of Uncertain Significance. This sequence change replaces serine, which is neutral and polar, with arginine, which is basic and polar, at codon 145 of the MEN1 protein (p.Ser145Arg). This variant is not present in population databases (gnomAD no frequency). This variant has not been reported in the literature in individuals affected with MEN1-related conditions. ClinVar contains an entry for this variant (Variation ID: 428048). Advanced modeling of protein sequence and biophysical properties (such as structural, functional, and spatial information, amino acid conservation, physicochemical variation, residue mobility, and thermodynamic stability) performed at Invitae indicates that this missense variant is expected to disrupt MEN1 protein function.